The following is an entry in ClinVar:

ClinVar aggregate classification (germline): Uncertain significance (1 of 4 stars; one submission).

Conditions:
SEMA3C-related disorder. Also called: SEMA3C-related condition.

Submission:

PreventionGenetics, part of Exact Sciences
Classification: Uncertain significance for SEMA3C-related condition. Last evaluated: 2026-06-05. Review status: criteria provided, single submitter. Criteria: ACMG Guidelines, 2015. Collection method: clinical testing. Allele origin: germline.
Comment: The SEMA3C c.81_82delinsTT variant is predicted to result in an in-frame deletion and insertion. To our knowledge, this variant has not been reported in the literature. In ClinVar, this variant has been reported as two separate variants of uncertain clinical significance: c.81G>T/p.Leu27Phe; and, c.82G>T/p.Val28Phe. To date, both variants have been found to co-occur in 25 tested samples included in a large population database. At this time, the clinical significance of the c.81_82delinsTT variant is uncertain due to the absence of conclusive functional and genetic evidence.

NM_006379.5(SEMA3C):c.27_28delinsTT (p.Leu9_Val10delinsPhePhe)

Gene: SEMA3C (semaphorin 3C; minus strand). Cytogenetic location: 7q21.11.
Variant type: Indel.
Coding change: c.27_28delinsTT on transcript NM_006379.5 (MANE Select); coding-DNA positions 27 to 28, GG replaced by TT.
Protein change: p.Leu9_Val10delinsPhePhe.
Molecular consequence: missense variant. On other transcripts: 5 prime UTR variant (1).
Genome position (GRCh38, 1-based): chr7:80,916,754-80,916,755, CC replaced by AA on the plus strand (GG replaced by TT on the coding strand, the reverse complement: SEMA3C is on the minus strand). VCF-style: chr7-80916754-CC-AA. GRCh37 (hg19) VCF-style: chr7-80546070-CC-AA.
Other names: c.81_82delinsTT, p.Leu27_Val28delinsPhePhe (NM_001350120.2); c.-236_-235delinsTT (NM_001350121.2).
Identifiers: ClinVar variation 3357698 (VCV003357698.2).